The following is an entry in ClinVar:

ClinVar aggregate classification (germline): Uncertain significance (1 of 4 stars; one submission).

Conditions:
Nance-Horan syndrome (NHS). Identifiers: Orphanet 627, MedGen C0796085, MONDO:0010545, OMIM 302350.

Submission:

Labcorp Genetics (formerly Invitae), Labcorp
Classification: Uncertain significance for Nance-Horan syndrome. Last evaluated: 2023-09-10. Review status: criteria provided, single submitter. Criteria: Invitae Variant Classification Sherloc (09022015). Collection method: clinical testing. Allele origin: germline.
Comment: This variant has not been reported in the literature in individuals affected with NHS-related conditions. In summary, the available evidence is currently insufficient to determine the role of this variant in disease. Therefore, it has been classified as a Variant of Uncertain Significance. An algorithm developed to predict the effect of missense changes on protein structure and function (PolyPhen-2) suggests that this variant is likely to be tolerated. This variant is present in population databases (no rsID available, gnomAD 0.001%). This sequence change replaces aspartic acid, which is acidic and polar, with glycine, which is neutral and non-polar, at codon 1183 of the NHS protein (p.Asp1183Gly).

NM_001291867.2(NHS):c.3611_3612delinsGA (p.Asp1204Gly)

Gene: NHS (NHS actin remodeling regulator; plus strand). Cytogenetic location: Xp22.13.
Variant type: Indel.
Coding change: c.3611_3612delinsGA on transcript NM_001291867.2 (MANE Select); coding-DNA positions 3611 to 3612, AC replaced by GA.
Protein change: p.Asp1204Gly; replaces aspartic acid 1204 with glycine.
Molecular consequence: missense variant.
Genome position (GRCh38, 1-based): chrX:17,727,717-17,727,718, AC replaced by GA. VCF-style: chrX-17727717-AC-GA. GRCh37 (hg19) VCF-style: chrX-17745837-AC-GA.
Other names: c.3080_3081delinsGA, p.Asp1027Gly (NM_001136024.4); c.3017_3018delinsGA, p.Asp1006Gly (NM_001291868.2); c.3548_3549delinsGA, p.Asp1183Gly (NM_198270.4); short protein forms D1183G, D1006G, D1027G, D1204G.
Identifiers: ClinVar variation 2740080 (VCV002740080.3), dbSNP rs2519940818, ClinGen allele CA2697552872.